The following is an entry in ClinVar:

NM_004006.3(DMD):c.3317A>T (p.Asn1106Ile)

Gene: DMD (dystrophin; minus strand). Cytogenetic location: Xp21.1.
Variant type: single nucleotide variant.
Coding change: c.3317A>T on transcript NM_004006.3 (MANE Select); coding-DNA position 3317, A replaced by T.
Protein change: p.Asn1106Ile; replaces asparagine 1106 with isoleucine.
Molecular consequence: missense variant.
Genome position (GRCh38, 1-based): chrX:32,463,554, T>A on the plus strand (A>T on the coding strand, the complement: DMD is on the minus strand). VCF-style: chrX-32463554-T-A. GRCh37 (hg19) VCF-style: chrX-32481671-T-A.
Other names: c.3293A>T, p.Asn1098Ile (NM_000109.4); c.3305A>T, p.Asn1102Ile (NM_004009.3); c.2948A>T, p.Asn983Ile (NM_004010.3); short protein forms N1098I, N1102I, N1106I, N983I.
Identifiers: ClinVar variation 1508837 (VCV001508837.6), dbSNP rs1346521535, ClinGen allele CA412664545.

ClinVar aggregate classification (germline): Uncertain significance (1 of 4 stars; one submission).

Conditions:
Duchenne muscular dystrophy (DMD). Also called: Duchenne Muscular Dystrophy (DMD); MUSCULAR DYSTROPHY, PSEUDOHYPERTROPHIC PROGRESSIVE, DUCHENNE TYPE. Identifiers: Orphanet 98896, MedGen C0013264, MONDO:0010679, OMIM 310200.

Submission:

Labcorp Genetics (formerly Invitae), Labcorp
Classification: Uncertain significance for Duchenne muscular dystrophy. Last evaluated: 2023-12-08. Review status: criteria provided, single submitter. Criteria: Invitae Variant Classification Sherloc (09022015). Collection method: clinical testing. Allele origin: germline.
Comment: This sequence change replaces asparagine, which is neutral and polar, with isoleucine, which is neutral and non-polar, at codon 1106 of the DMD protein (p.Asn1106Ile). This variant is not present in population databases (gnomAD no frequency). This variant has not been reported in the literature in individuals affected with DMD-related conditions. ClinVar contains an entry for this variant (Variation ID: 1508837). Advanced modeling of protein sequence and biophysical properties (such as structural, functional, and spatial information, amino acid conservation, physicochemical variation, residue mobility, and thermodynamic stability) performed at Invitae indicates that this missense variant is not expected to disrupt DMD protein function with a negative predictive value of 95%. In summary, the available evidence is currently insufficient to determine the role of this variant in disease. Therefore, it has been classified as a Variant of Uncertain Significance.